The following is an entry in ClinVar:

NM_012431.3(SEMA3E):c.718G>T (p.Asp240Tyr)

Gene: SEMA3E (semaphorin 3E; minus strand). Cytogenetic location: 7q21.11.
Variant type: single nucleotide variant.
Coding change: c.718G>T on transcript NM_012431.3 (MANE Select); coding-DNA position 718, G replaced by T.
Protein change: p.Asp240Tyr; replaces aspartic acid 240 with tyrosine.
Molecular consequence: missense variant.
Genome position (GRCh38, 1-based): chr7:83,407,192, C>A on the plus strand (G>T on the coding strand, the complement: SEMA3E is on the minus strand). VCF-style: chr7-83407192-C-A. GRCh37 (hg19) VCF-style: chr7-83036508-C-A.
Other names: c.538G>T, p.Asp180Tyr (NM_001178129.2); short protein forms D240Y, D180Y.
Identifiers: ClinVar variation 643841 (VCV000643841.10), dbSNP rs777910966, ClinGen allele CA4322231.

ClinVar aggregate classification (germline): Uncertain significance. Review status: criteria provided, multiple submitters, no conflicts (2 of 4 stars). 2 submissions from 2 submitters: Uncertain significance (2). Last evaluated 2025-10-22.

Conditions:
CHARGE syndrome (CHARGE). Also called: Coloboma, heart anomaly, choanal atresia, retardation, genital and ear anomalies; CHARGE association; Hall-Hittner syndrome; Hittner Hirsch Kreh syndrome; CHARGE ASSOCIATION--COLOBOMA, HEART ANOMALY, CHOANAL ATRESIA, RETARDATION, GENITAL AND EAR ANOMALIES. Identifiers: Orphanet 138, MedGen C0265354, MONDO:0008965.

Allele frequency attached by ClinVar (database versions not stated): gnomAD below 0.00001 and 0.00001; gnomAD exomes 0.00001; ExAC 0.00002.
gnomAD v4.1: 18 of 1,613,280 alleles (0.0011%); highest among the groups gnomAD compares: South Asian, 0.02%; no homozygotes.

Submissions (2):

Labcorp Genetics (formerly Invitae), Labcorp
Classification: Uncertain significance for CHARGE syndrome. Last evaluated: 2025-10-22. Review status: criteria provided, single submitter. Criteria: Invitae Variant Classification Sherloc (09022015). Collection method: clinical testing. Allele origin: germline.
Comment: This sequence change replaces aspartic acid, which is acidic and polar, with tyrosine, which is neutral and polar, at codon 240 of the SEMA3E protein (p.Asp240Tyr). This variant is present in population databases (rs777910966, gnomAD 0.01%). This variant has not been reported in the literature in individuals affected with SEMA3E-related conditions. ClinVar contains an entry for this variant (Variation ID: 643841). Invitae Evidence Modeling of protein sequence and biophysical properties (such as structural, functional, and spatial information, amino acid conservation, physicochemical variation, residue mobility, and thermodynamic stability) indicates that this missense variant is not expected to disrupt SEMA3E protein function with a negative predictive value of 80%. In summary, the available evidence is currently insufficient to determine the role of this variant in disease. Therefore, it has been classified as a Variant of Uncertain Significance.

GeneDx
Classification: Uncertain significance. Last evaluated: 2019-05-09. Review status: criteria provided, single submitter. Criteria: GeneDx Variant Classification Process June 2021. Collection method: clinical testing. Allele origin: germline. Affected: yes.
Comment: In silico analysis, which includes protein predictors and evolutionary conservation, supports a deleterious effect; Has not been previously published as pathogenic or benign to our knowledge